The following is an entry in ClinVar:

ClinVar aggregate classification (germline): Uncertain significance (1 of 4 stars; one submission).

Submission:

Labcorp Genetics (formerly Invitae), Labcorp
Classification: Uncertain significance. Last evaluated: 2025-01-27. Review status: criteria provided, single submitter. Criteria: Invitae Variant Classification Sherloc (09022015). Collection method: clinical testing. Allele origin: germline.
Comment: This sequence change replaces leucine, which is neutral and non-polar, with phenylalanine, which is neutral and non-polar, at codon 630 of the UBE3B protein (p.Leu630Phe). This variant is not present in population databases (gnomAD no frequency). This variant has not been reported in the literature in individuals affected with UBE3B-related conditions. ClinVar contains an entry for this variant (Variation ID: 2099519). Invitae Evidence Modeling of protein sequence and biophysical properties (such as structural, functional, and spatial information, amino acid conservation, physicochemical variation, residue mobility, and thermodynamic stability) indicates that this missense variant is not expected to disrupt UBE3B protein function with a negative predictive value of 80%. In summary, the available evidence is currently insufficient to determine the role of this variant in disease. Therefore, it has been classified as a Variant of Uncertain Significance.

NM_130466.4(UBE3B):c.1888C>T (p.Leu630Phe)

Gene: UBE3B (ubiquitin protein ligase E3B; plus strand). Cytogenetic location: 12q24.11.
Variant type: single nucleotide variant.
Coding change: c.1888C>T on transcript NM_130466.4 (MANE Select); coding-DNA position 1888, C replaced by T.
Protein change: p.Leu630Phe; replaces leucine 630 with phenylalanine.
Molecular consequence: missense variant.
Genome position (GRCh38, 1-based): chr12:109,511,235, C>T. VCF-style: chr12-109511235-C-T. GRCh37 (hg19) VCF-style: chr12-109949040-C-T.
Other names: c.1888C>T, p.Leu630Phe (NM_183415.3); short protein forms L630F.
Identifiers: ClinVar variation 2099519 (VCV002099519.4), dbSNP rs2548532821, ClinGen allele CA386638997.
Genomic context (GRCh38, chr12:109,511,235, plus strand): 5'-TCTCCCAAACCCATGTCTTTCTTCTCAAGGGATCTCAAACCTAGCGTGCTCTTCCAAGAA[C>T]TCGACAGGGACAGAAAACGGGCACAGTTGATCCTGCAGTACATCCCACATGTCATCCCTC-3'
Protein context (NP_569733.2, residues 620-640): DLKPSVLFQE[Leu630Phe]DRDRKRAQLI